The following is an entry in ClinVar:

ClinVar aggregate classification (germline): Uncertain significance. Review status: criteria provided, multiple submitters, no conflicts (2 of 4 stars). 2 submissions from 2 submitters: Uncertain significance (2). Last evaluated 2025-11-28.

Conditions:
Combined immunodeficiency due to LRBA deficiency. Also called: Common variable immunodeficiency 8, with autoimmunity. Identifiers: Orphanet 445018, MedGen C3553512, MONDO:0013863, OMIM 614700.

Allele frequency attached by ClinVar (database versions not stated): gnomAD 0.00001; gnomAD exomes 0.00003 and 0.00002; ExAC 0.00003.
gnomAD v4.1: 24 of 1,546,268 alleles (0.0016%); highest among the groups gnomAD compares: Non-Finnish European, 0.0019%; no homozygotes.

Submissions (2):

Labcorp Genetics (formerly Invitae), Labcorp
Classification: Uncertain significance for Combined immunodeficiency due to LRBA deficiency. Last evaluated: 2025-11-28. Review status: criteria provided, single submitter. Criteria: Invitae Variant Classification Sherloc (09022015). Collection method: clinical testing. Allele origin: germline.
Comment: This sequence change replaces alanine, which is neutral and non-polar, with threonine, which is neutral and polar, at codon 2233 of the LRBA protein (p.Ala2233Thr). This variant is present in population databases (rs754600521, gnomAD 0.007%). This variant has not been reported in the literature in individuals affected with LRBA-related conditions. ClinVar contains an entry for this variant (Variation ID: 1303672). Invitae Evidence Modeling of protein sequence and biophysical properties (such as structural, functional, and spatial information, amino acid conservation, physicochemical variation, residue mobility, and thermodynamic stability) indicates that this missense variant is not expected to disrupt LRBA protein function with a negative predictive value of 80%. In summary, the available evidence is currently insufficient to determine the role of this variant in disease. Therefore, it has been classified as a Variant of Uncertain Significance.

GeneDx
Classification: Uncertain significance. Last evaluated: 2023-11-21. Review status: criteria provided, single submitter. Criteria: GeneDx Variant Classification Process June 2021. Collection method: clinical testing. Allele origin: germline. Affected: yes.
Comment: In silico analysis supports that this missense variant has a deleterious effect on protein structure/function; Has not been previously published as pathogenic or benign to our knowledge

NM_001364905.1(LRBA):c.6664G>A (p.Ala2222Thr)

Gene: LRBA (LPS responsive beige-like anchor protein; minus strand). Cytogenetic location: 4q31.3.
Variant type: single nucleotide variant.
Coding change: c.6664G>A on transcript NM_001364905.1 (MANE Select); coding-DNA position 6664, G replaced by A.
Protein change: p.Ala2222Thr; replaces alanine 2222 with threonine.
Molecular consequence: missense variant.
Genome position (GRCh38, 1-based): chr4:150,471,627, C>T on the plus strand (G>A on the coding strand, the complement: LRBA is on the minus strand). VCF-style: chr4-150471627-C-T. GRCh37 (hg19) VCF-style: chr4-151392779-C-T.
Other names: c.6697G>A, p.Ala2233Thr (NM_006726.5); c.6664G>A, p.Ala2222Thr (NM_001199282.3, NM_001367550.1); short protein forms A2222T, A2233T.
Identifiers: ClinVar variation 1303672 (VCV001303672.5), dbSNP rs754600521, ClinGen allele CA3101860.